The following is an entry in ClinVar:

ClinVar aggregate classification (germline): Benign. Review status: criteria provided, single submitter (1 of 4 stars). 2 submissions from 2 submitters: Benign (1). 1 of the submissions does not count toward it. Last evaluated 2022-05-04.

Conditions:
Breast-ovarian cancer, familial, susceptibility to, 1 (BROVCA1). Also called: BRCA1 Hereditary Breast and Ovarian Cancer; OVARIAN CANCER, SUSCEPTIBILITY TO. Identifiers: Orphanet 145, MedGen C2676676, MONDO:0011450, OMIM 604370. Disease mechanism: loss of function.

Allele frequency attached by ClinVar (database versions not stated): gnomAD exomes below 0.00001.
gnomAD v4.1: 2 of 1,613,754 alleles (0.00012%); highest among the groups gnomAD compares: Non-Finnish European, 0.00017%; no homozygotes.

Submissions (2):

Mendelics
Classification: Benign. Last evaluated: 2022-05-04. Review status: criteria provided, single submitter. Criteria: Mendelics Assertion Criteria 2019. Collection method: clinical testing. Allele origin: germline.

Department of Medical and Surgical Sciences, University of Bologna
Classification: Likely benign for Breast-ovarian cancer, familial, susceptibility to, 1. Last evaluated: 2023-09-01. Review status: no assertion criteria provided. Collection method: clinical testing. Allele origin: germline. Affected: yes. Not counted in ClinVar's aggregate classification.
Comment: PM2(Supporting)+BP1(Strong) according to ACMG/AMP classification guidelines specified for BRCA1 & BRCA2 (Classification Criteria V1.0.0 2023-09-08) (PMID: 38160042)

NM_007294.4(BRCA1):c.652T>G (p.Leu218Val)

Gene: BRCA1 (BRCA1 DNA repair associated; minus strand). Cytogenetic location: 17q21.31.
Variant type: single nucleotide variant.
Coding change: c.652T>G on transcript NM_007294.4 (MANE Select); coding-DNA position 652, T replaced by G.
Protein change: p.Leu218Val; replaces leucine 218 with valine.
Molecular consequence: missense variant. On other transcripts: non-coding transcript variant (1).
Genome position (GRCh38, 1-based): chr17:43,095,864, A>C on the plus strand (T>G on the coding strand, the complement: BRCA1 is on the minus strand). VCF-style: chr17-43095864-A-C. GRCh37 (hg19) VCF-style: chr17-41247881-A-C.
Other names: c.508T>G, p.Leu170Val (NM_001407744.1, NM_001407745.1, NM_001407746.1 and 26 more transcripts); c.511T>G, p.Leu171Val (NM_001407750.1, NM_001407751.1, NM_001407752.1 and 43 more transcripts); c.439T>G, p.Leu147Val (NM_001407853.1, NM_001407894.1, NM_001407895.1 and 12 more transcripts); c.652T>G, p.Leu218Val (NM_001407854.1, NM_001407858.1, NM_001407859.1 and 59 more transcripts); c.649T>G, p.Leu217Val (NM_001407860.1, NM_001407861.1, NM_001407972.1 and 41 more transcripts); c.442T>G, p.Leu148Val (NM_001407879.1, NM_001407881.1, NM_001407882.1 and 27 more transcripts); c.271T>G, p.Leu91Val (NM_001407959.1, NM_001407960.1, NM_001407963.1 and 1 more transcripts); c.268T>G, p.Leu90Val (NM_001407962.1); and 4 more; short protein forms L171V, L218V, L147V, L191V, L91V, L148V, L170V, L173V.
Identifiers: ClinVar variation 1684697 (VCV001684697.3), dbSNP rs765950064, ClinGen allele CA10600796.
Genomic context (GRCh38, chr17:43,095,864, plus strand): 5'-TCTCTTTTCAGTGCCTGTTAAGTTGGCAAACTTTGCCATTACCCTTTTTTGCAGAATCCA[A>C]ACTGATTTCATCCCTGGTTCCTTGAGGGGTGATTTGTAACAATTCTTGATCTCCCACACT-3'
Protein context (NP_009225.1, residues 208-228): TPQGTRDEIS[Leu218Val]DSAKKAACEF